The following is an entry in ClinVar:

ClinVar aggregate classification (germline): Uncertain significance (1 of 4 stars; one submission).

Submission:

CeGaT Center for Human Genetics Tuebingen
Classification: Uncertain significance. Last evaluated: 2024-01-01. Review status: criteria provided, single submitter. Criteria: CeGaT Center For Human Genetics Tuebingen Variant Classification Criteria Version 2. Collection method: clinical testing. Allele origin: germline. Affected: yes. Observed: 1 variant allele.
Comment: RTEL1: PM2

NM_001283009.2(RTEL1):c.1126C>G (p.Leu376Val)

Genes: RTEL1 (regulator of telomere elongation helicase 1; plus strand), RTEL1-TNFRSF6B (RTEL1-TNFRSF6B readthrough (NMD candidate); plus strand). Cytogenetic location: 20q13.33.
Variant type: single nucleotide variant.
Coding change: c.1126C>G on transcript NM_001283009.2 (MANE Select); coding-DNA position 1126, C replaced by G.
Protein change: p.Leu376Val; replaces leucine 376 with valine.
Molecular consequence: missense variant. On other transcripts: non-coding transcript variant (1).
Genome position (GRCh38, 1-based): chr20:63,679,937, C>G. VCF-style: chr20-63679937-C-G. GRCh37 (hg19) VCF-style: chr20-62311290-C-G.
Other names: c.457C>G, p.Leu153Val (NM_001283010.1); c.1126C>G, p.Leu376Val (NM_016434.4); c.1198C>G, p.Leu400Val (NM_032957.5); short protein forms L153V, L376V, L400V.
Identifiers: ClinVar variation 3026917 (VCV003026917.22), dbSNP rs1314912801, ClinGen allele CA409674050.